The following is an entry in ClinVar:

NM_001040142.2(SCN2A):c.5339G>A (p.Ser1780Asn)

Gene: SCN2A (sodium voltage-gated channel alpha subunit 2; plus strand). Cytogenetic location: 2q24.3.
Variant type: single nucleotide variant.
Coding change: c.5339G>A on transcript NM_001040142.2 (MANE Select); coding-DNA position 5339, G replaced by A.
Protein change: p.Ser1780Asn; replaces serine 1780 with asparagine.
Molecular consequence: missense variant.
Genome position (GRCh38, 1-based): chr2:165,389,145, G>A. VCF-style: chr2-165389145-G-A. GRCh37 (hg19) VCF-style: chr2-166245655-G-A.
Other names: c.5339G>A, p.Ser1780Asn (NM_001040143.2, NM_001371246.1, NM_001371247.1 and 1 more transcripts); short protein forms S1780N.
Identifiers: ClinVar variation 452500 (VCV000452500.2), dbSNP rs796053163, ClinGen allele CA349038749.

ClinVar aggregate classification (germline): Uncertain significance (1 of 4 stars; one submission).

Submission:

GeneDx
Classification: Uncertain significance. Last evaluated: 2017-10-04. Review status: criteria provided, single submitter. Criteria: GeneDx Variant Classification (06012015). Collection method: clinical testing. Allele origin: germline. Affected: yes.
Comment: The S1780N variant has not been published as a pathogenic variant, nor has it been reported as a benign variant to our knowledge. The S1780N variant is not observed in large population cohorts (Lek et al., 2016). This substitution occurs at a conserved position predicted to be within the C-terminal cytoplasmic domain. In silico analysis predicts this variant is probably damaging to the protein structure/function. However, the S1780N variant is a conservative amino acid substitution, which is not likely to impact secondary protein structure as these residues share similar properties. Therefore, based on the currently available information, it is unclear whether this variant is a pathogenic variant or a rare benign variant.